The following is an entry in ClinVar:

NM_005891.3(ACAT2):c.1024-4T>C

Genes: ACAT2 (acetyl-CoA acetyltransferase 2; plus strand), TCP1 (t-complex 1; minus strand). Cytogenetic location: 6q25.3.
Variant type: single nucleotide variant.
Coding change: c.1024-4T>C on transcript NM_005891.3 (MANE Select); 4 bases into the intron before coding-DNA position 1024, T replaced by C.
Molecular consequence: intron variant. On other transcripts: 3 prime UTR variant (2).
Genome position (GRCh38, 1-based): chr6:159,778,655, T>C. VCF-style: chr6-159778655-T-C. GRCh37 (hg19) VCF-style: chr6-160199687-T-C.
Other names: p.?; c.*390A>G (NM_001008897.2, NM_030752.3); c.1111-4T>C (NM_001303253.1).
Identifiers: ClinVar variation 4683234 (VCV004683234.1).
Genomic context (GRCh38, chr6:159,778,655, plus strand): 5'-AGTTTAAGATTTTAAACTGTGTCCACAGAAGAATAAACAATCTAAATCTTTTCTCCCCCG[T>C]TAGGTCAATATTGAAGGAGGGGCTATAGCCTTGGGCCACCCTCTTGGAGCATCTGGCTGT-3'

ClinVar aggregate classification (germline): Benign (1 of 4 stars; one submission).

gnomAD v4.1: 1,212,142 of 1,612,640 alleles (75%); highest among the groups gnomAD compares: Admixed American, 81%; 458,906 homozygotes.

Submission:

Mayo Clinic Laboratories, Mayo Clinic
Classification: Benign. Last evaluated: 2025-12-15. Review status: criteria provided, single submitter. Criteria: ACMG Guidelines, 2015. Collection method: clinical testing. Allele origin: germline. Observed: 83 variant alleles.
Comment: BA1, BP4, BP7